The following is an entry in ClinVar:

ClinVar aggregate classification (germline): Uncertain significance (1 of 4 stars; one submission).

Conditions:
Cardiovascular phenotype. Identifiers: MedGen CN230736.

Allele frequency attached by ClinVar (database versions not stated): ExAC 0.00001; ESP Exome Variant Server 0.00008; gnomAD exomes below 0.00001.
gnomAD v4.1: 2 of 1,613,942 alleles (0.00012%); highest among the groups gnomAD compares: African/African-American, 0.0013%; no homozygotes.

Submission:

Ambry Genetics
Classification: Uncertain significance for Cardiovascular phenotype. Last evaluated: 2016-07-31. Review status: criteria provided, single submitter. Criteria: Ambry Variant Classification Scheme 2023. Collection method: clinical testing. Allele origin: germline.
Comment: The p.G26258S variant (also known as c.78772G>A), located in coding exon 185 of the TTN gene, results from a G to A substitution at nucleotide position 78772. This alteration is located in the M-band region of the N2-B isoform of the titin protein. The glycine at codon 26258 is replaced by serine, an amino acid with similar properties. This variant was previously reported in the SNPDatabase as rs372749780. Based on data from ExAC, the A allele has an overall frequency of less than 0.01% (1/105470). Based on data from the NHLBI Exome Sequencing Project (ESP), the A allele has an overall frequency of approximately 0.01% (1/11962) total alleles studied, having been observed in 0.03% (1/3732) African American alleles. This amino acid position is well conserved in available vertebrate species; however, serine is the reference amino acid in other vertebrate species. In addition, this alteration is predicted to be tolerated by in silico analysis. Since supporting evidence is limited at this time, the clinical significance of this alteration remains unclear.

NM_001267550.2(TTN):c.105967G>A (p.Gly35323Ser)

Genes: TTN-AS1 (TTN antisense RNA 1; plus strand), TTN (titin; minus strand), LOC129935183 (ATAC-STARR-seq lymphoblastoid active region 16808; plus strand). Cytogenetic location: 2q31.2.
Variant type: single nucleotide variant.
Coding change: c.105967G>A on transcript NM_001267550.2 (MANE Select); coding-DNA position 105967, G replaced by A.
Protein change: p.Gly35323Ser; replaces glycine 35323 with serine.
Molecular consequence: missense variant.
Genome position (GRCh38, 1-based): chr2:178,530,648, C>T on the plus strand (G>A on the coding strand, the complement: TTN is on the minus strand). VCF-style: chr2-178530648-C-T. GRCh37 (hg19) VCF-style: chr2-179395375-C-T.
Other names: c.101044G>A, p.Gly33682Ser (NM_001256850.1); c.78772G>A, p.Gly26258Ser (NM_003319.4); c.98263G>A, p.Gly32755Ser (NM_133378.4); c.79147G>A, p.Gly26383Ser (NM_133432.3); c.79348G>A, p.Gly26450Ser (NM_133437.4); short protein forms G26258S, G35323S, G26383S, G32755S, G26450S, G33682S.
Identifiers: ClinVar variation 518547 (VCV000518547.5), dbSNP rs372749780, ClinGen allele CA1985183.